The following is an entry in ClinVar:

ClinVar aggregate classification (germline): Uncertain significance (1 of 4 stars; one submission).

Conditions:
Hereditary spastic paraplegia 30. Identifiers: Orphanet 101010, MedGen C5235139, MONDO:0012476.

Submission:

Foundation for Research in Genetics and Endocrinology, FRIGE's Institute of Human Genetics
Classification: Uncertain significance for Spastic paraplegia 30A, autosomal dominant. Last evaluated: 2025-08-30. Review status: criteria provided, single submitter. Criteria: ACMG Guidelines, 2015. Collection method: clinical testing. Allele origin: germline. Inheritance: Autosomal dominant inheritance. Affected: yes. Observed: 1 heterozygote.
Comment: The heterozygous missense variant c.749C>G; p.Ala250Gly, has been detected in the KIF1A gene on chromosomal position chr2:240783788:G>C. This variant is noted to have a total depth of 53X. It is located in exon 8 and it leads to a change in amino acid from Alanine to Glycine at codon 250. This variant has not been reported in population frequency databases such as gnomAD and ExAC. This variant is predicted to be deleterious by in silico prediction tools such as Revel, AlphaMissense, Eve, MutationTaster, DANN, MetaLR, PrimateAI and BayesDel. In summary, the variant meets our criteria to be classified as variant of uncertain significance.

NM_001244008.2(KIF1A):c.749C>G (p.Ala250Gly)

Gene: KIF1A (kinesin family member 1A; minus strand). Cytogenetic location: 2q37.3.
Variant type: single nucleotide variant.
Coding change: c.749C>G on transcript NM_001244008.2 (MANE Select); coding-DNA position 749, C replaced by G.
Protein change: p.Ala250Gly; replaces alanine 250 with glycine.
Molecular consequence: missense variant.
Genome position (GRCh38, 1-based): chr2:240,783,788, G>C on the plus strand (C>G on the coding strand, the complement: KIF1A is on the minus strand). VCF-style: chr2-240783788-G-C. GRCh37 (hg19) VCF-style: chr2-241723205-G-C.
Other names: p.Ala250Gly; c.749C>G, p.Ala250Gly (NM_001320705.2, NM_001330289.2, NM_001330290.2 and 20 more transcripts); short protein forms A250G.
Identifiers: ClinVar variation 4082209 (VCV004082209.1).
Genomic context (GRCh38, chr2:240,783,788, plus strand): 5'-CTGGCCCCTACCTTGAGGCGCGTGCCCTTGGCTCCCGTGGAGTCAGCCCGCTCGCTCCCA[G>C]CCAGGTCCACCAGGCTGATTTTGCTCACCTGAAACAGTAGATACATCACATGCAGGAAAG-3'
Protein context (NP_001230937.1, residues 240-260): KVSKISLVDL[Ala250Gly]GSERADSTGA